The following is an entry in ClinVar:

ClinVar aggregate classification (germline): Likely benign. Review status: criteria provided, multiple submitters, no conflicts (2 of 4 stars). 2 submissions from 2 submitters: Likely benign (2). Last evaluated 2026-04-01.

Submissions (2):

CeGaT Center for Human Genetics Tuebingen
Classification: Likely benign. Last evaluated: 2026-04-01. Review status: criteria provided, single submitter. Criteria: CeGaT Center For Human Genetics Tuebingen Variant Classification Criteria Version 2. Collection method: clinical testing. Allele origin: germline. Affected: yes. Observed: 1 variant allele.
Comment: MUC5B: BP4, BP7

Laboratory of Genetics, Children's Clinical University Hospital Latvia
Classification: Likely benign. Last evaluated: 2025-02-16. Review status: criteria provided, single submitter. Criteria: ACMG Guidelines, 2015. Collection method: clinical testing. Allele origin: germline. Affected: yes.

NM_002458.3(MUC5B):c.7074C>T (p.Leu2358=)

Genes: MUC5B (mucin 5B, oligomeric mucus/gel-forming; plus strand), MUC5B-AS1 (MUC5B antisense RNA 1; minus strand). Cytogenetic location: 11p15.5.
Variant type: single nucleotide variant.
Coding change: c.7074C>T on transcript NM_002458.3 (MANE Select); coding-DNA position 7074, C replaced by T.
Protein change: p.Leu2358=; no amino-acid change (leucine 2358 retained).
Molecular consequence: synonymous variant.
Genome position (GRCh38, 1-based): chr11:1,243,954, C>T. VCF-style: chr11-1243954-C-T. GRCh37 (hg19) VCF-style: chr11-1265184-C-T.
Identifiers: ClinVar variation 3910848 (VCV003910848.3).
Genomic context (GRCh38, chr11:1,243,954, plus strand): 5'-TGACACCTACTCCAACATCCGTGCGGCCGGAGGGGCCGTCTGTGAGCAGCCCCTGGGCCT[C>T]GAGTGCCGTGCCCAGGCCCAGCCTGGTGTCCCCCTGCGGGAGTTGGGCCAGGTCGTGGAA-3'
Protein context (NP_002449.2, residues 2348-2368): GGAVCEQPLG[Leu2358=]ECRAQAQPGV